The following is an entry in ClinVar:

NM_000431.4(MVK):c.483C>A (p.Cys161Ter)

Gene: MVK (mevalonate kinase; plus strand). Cytogenetic location: 12q24.11.
Variant type: single nucleotide variant.
Coding change: c.483C>A on transcript NM_000431.4 (MANE Select); coding-DNA position 483, C replaced by A.
Protein change: p.Cys161Ter; replaces cysteine 161 with a stop codon.
Molecular consequence: nonsense. On other transcripts: 5 prime UTR variant (1), non-coding transcript variant (3), intron variant (2).
Genome position (GRCh38, 1-based): chr12:109,581,506, C>A. VCF-style: chr12-109581506-C-A. GRCh37 (hg19) VCF-style: chr12-110019311-C-A.
Other names: c.483C>A, p.Cys161Ter (NM_001114185.3, NM_001414511.1, NM_001414512.1 and 1 more transcripts); c.-100C>A (NM_001414515.1); c.371+1560C>A (NM_001414514.1, NM_001301182.2); short protein forms C161*.
Identifiers: ClinVar variation 5013191 (VCV005013191.1).

ClinVar aggregate classification (germline): Pathogenic (1 of 4 stars; one submission).

Conditions:
Deficiency of mevalonate kinase. Also called: Mevalonate kinase deficiency. Identifiers: Orphanet 309025, MedGen C0342731, MONDO:0017708.

Submission:

Myriad Genetics, Inc.
Classification: Pathogenic for Deficiency of mevalonate kinase. Last evaluated: 2024-06-17. Review status: criteria provided, single submitter. Criteria: Myriad Autosomal Dominant, Autosomal Recessive and X-Linked Classification Criteria (2023). Collection method: clinical testing. Allele origin: unknown.
Comment: NM_000431.2(MVK):c.483C>A(C161*) is expected to be pathogenic in the context of mevalonate kinase deficiency. This variant is predicted to lead to an abnormal or absent protein product due to the creation of a premature termination codon in MVK, a gene where loss-of-function variants are known to be pathogenic. Please note: this variant was assessed in the context of healthy population screening.